The following is an entry in ClinVar:

ClinVar aggregate classification (germline): Conflicting classifications of pathogenicity. Review status: criteria provided, conflicting classifications (1 of 4 stars). 3 submissions from 3 submitters: Uncertain significance (2); Benign (1). Last evaluated 2026-01-11.

Conditions:
Hearing impairment. Also called: Impaired Hearing. Identifiers: MedGen C1384666, MONDO:0005365, HP:0000365.

Allele frequency attached by ClinVar (database versions not stated): gnomAD exomes 0.00003; TOPMed 0.00003; gnomAD 0.00005 and 0.00006.
gnomAD v4.1: 49 of 1,612,756 alleles (0.003%); highest among the groups gnomAD compares: African/African-American, 0.011%; no homozygotes.

Submissions (3):

Labcorp Genetics (formerly Invitae), Labcorp
Classification: Benign. Last evaluated: 2026-01-11. Review status: criteria provided, single submitter. Criteria: Invitae Variant Classification Sherloc (09022015). Collection method: clinical testing. Allele origin: germline.

GeneDx
Classification: Uncertain significance. Last evaluated: 2024-04-09. Review status: criteria provided, single submitter. Criteria: GeneDx Variant Classification Process June 2021. Collection method: clinical testing. Allele origin: germline. Affected: yes.
Comment: Reported as a variant of uncertain significance in a patient with cerebral palsy (PMID: 30467950); In silico analysis supports that this missense variant has a deleterious effect on protein structure/function; This variant is associated with the following publications: (PMID: 30467950)

Department of Otolaryngology – Head & Neck Surgery, Cochlear Implant Center
Classification: Uncertain significance for Hearing impairment. Last evaluated: 2021-04-12. Review status: criteria provided, single submitter. Criteria: ClinGen HL ACMG Specifications v1. Collection method: clinical testing. Allele origin: germline. Affected: yes.
Comment: PM2_Moderate, PM5_Moderate

NM_080680.3(COL11A2):c.3101G>A (p.Arg1034His)

Gene: COL11A2 (collagen type XI alpha 2 chain; minus strand). Cytogenetic location: 6p21.32.
Variant type: single nucleotide variant.
Coding change: c.3101G>A on transcript NM_080680.3 (MANE Select); coding-DNA position 3101, G replaced by A.
Protein change: p.Arg1034His; replaces arginine 1034 with histidine.
Molecular consequence: missense variant.
Genome position (GRCh38, 1-based): chr6:33,171,762, C>T on the plus strand (G>A on the coding strand, the complement: COL11A2 is on the minus strand). VCF-style: chr6-33171762-C-T. GRCh37 (hg19) VCF-style: chr6-33139539-C-T.
Other names: c.2780G>A, p.Arg927His (NM_080679.3); c.2843G>A, p.Arg948His (NM_080681.3); short protein forms R1034H, R927H, R948H.
Identifiers: ClinVar variation 1065057 (VCV001065057.12), dbSNP rs957902805, ClinGen allele CA137067504.